The following is an entry in ClinVar:

NM_005045.4(RELN):c.4945C>T (p.Arg1649Cys)

Gene: RELN (reelin; minus strand). Cytogenetic location: 7q22.1.
Variant type: single nucleotide variant.
Coding change: c.4945C>T on transcript NM_005045.4 (MANE Select); coding-DNA position 4945, C replaced by T.
Protein change: p.Arg1649Cys; replaces arginine 1649 with cysteine.
Molecular consequence: missense variant.
Genome position (GRCh38, 1-based): chr7:103,565,543, G>A on the plus strand (C>T on the coding strand, the complement: RELN is on the minus strand). VCF-style: chr7-103565543-G-A. GRCh37 (hg19) VCF-style: chr7-103205990-G-A.
Other names: c.4945C>T, p.Arg1649Cys (NM_173054.3); short protein forms R1649C.
Identifiers: ClinVar variation 3752837 (VCV003752837.2).

ClinVar aggregate classification (germline): Uncertain significance (1 of 4 stars; one submission).

Conditions:
Norman-Roberts syndrome (LIS2). Also called: Lissencephaly 2 (Norman-Roberts type). Identifiers: Orphanet 89844, MedGen C0796089, MONDO:0009760, OMIM 257320.
Familial temporal lobe epilepsy 7. Identifiers: Orphanet 101046, MedGen C4225327, MONDO:0014639, OMIM 616436.

gnomAD v4.1: 41 of 1,604,142 alleles (0.0026%); highest among the groups gnomAD compares: South Asian, 0.022%; 1 homozygote.

Submission:

Labcorp Genetics (formerly Invitae), Labcorp
Classification: Uncertain significance for Familial temporal lobe epilepsy 7; Norman-Roberts syndrome. Last evaluated: 2024-03-01. Review status: criteria provided, single submitter. Criteria: Invitae Variant Classification Sherloc (09022015). Collection method: clinical testing. Allele origin: germline.
Comment: This sequence change replaces arginine, which is basic and polar, with cysteine, which is neutral and slightly polar, at codon 1649 of the RELN protein (p.Arg1649Cys). The frequency data for this variant in the population databases is considered unreliable, as metrics indicate poor data quality at this position in the gnomAD database. This missense change has been observed in individual(s) with RELN-related condition (PMID: 33004838). Advanced modeling of protein sequence and biophysical properties (such as structural, functional, and spatial information, amino acid conservation, physicochemical variation, residue mobility, and thermodynamic stability) performed at Invitae indicates that this missense variant is not expected to disrupt RELN protein function with a negative predictive value of 80%. In summary, the available evidence is currently insufficient to determine the role of this variant in disease. Therefore, it has been classified as a Variant of Uncertain Significance.

Literature cited by the submitters: PubMed 33004838.